The following is an entry in ClinVar:

ClinVar aggregate classification (germline): Uncertain significance (1 of 4 stars; one submission).

Conditions:
Familial infantile myasthenia (CMS6). Also called: MYASTHENIC SYNDROME, CONGENITAL, 6, PRESYNAPTIC; MYASTHENIC SYNDROME, PRESYNAPTIC, CONGENITAL, ASSOCIATED WITH EPISODIC APNEA; Congenital myasthenic syndrome type 6. Identifiers: Orphanet 590, MedGen C0393929, MONDO:0009689, OMIM 254210.

Allele frequency attached by ClinVar (database versions not stated): ExAC 0.00004; TOPMed 0.00004.

Submission:

Labcorp Genetics (formerly Invitae), Labcorp
Classification: Uncertain significance for Familial infantile myasthenia. Last evaluated: 2022-06-08. Review status: criteria provided, single submitter. Criteria: Invitae Variant Classification Sherloc (09022015). Collection method: clinical testing. Allele origin: germline.
Comment: This sequence change replaces glutamic acid, which is acidic and polar, with lysine, which is basic and polar, at codon 360 of the CHAT protein (p.Glu360Lys). This variant is present in population databases (rs767903393, gnomAD 0.006%). This variant has not been reported in the literature in individuals affected with CHAT-related conditions. Advanced modeling of protein sequence and biophysical properties (such as structural, functional, and spatial information, amino acid conservation, physicochemical variation, residue mobility, and thermodynamic stability) performed at Invitae indicates that this missense variant is not expected to disrupt CHAT protein function. In summary, the available evidence is currently insufficient to determine the role of this variant in disease. Therefore, it has been classified as a Variant of Uncertain Significance.

NM_020549.5(CHAT):c.1078G>A (p.Glu360Lys)

Gene: CHAT (choline O-acetyltransferase; plus strand). Cytogenetic location: 10q11.23.
Variant type: single nucleotide variant.
Coding change: c.1078G>A on transcript NM_020549.5 (MANE Select); coding-DNA position 1078, G replaced by A.
Protein change: p.Glu360Lys; replaces glutamic acid 360 with lysine.
Molecular consequence: missense variant.
Genome position (GRCh38, 1-based): chr10:49,627,752, G>A. VCF-style: chr10-49627752-G-A. GRCh37 (hg19) VCF-style: chr10-50835798-G-A.
Other names: c.724G>A, p.Glu242Lys (NM_001142929.2, NM_001142934.2, NM_020984.4 and 2 more transcripts); c.832G>A, p.Glu278Lys (NM_001142933.2); short protein forms E242K, E278K, E360K.
Identifiers: ClinVar variation 2420101 (VCV002420101.3), dbSNP rs767903393, ClinGen allele CA5497349.